The following is an entry in ClinVar:

ClinVar aggregate classification (germline): Uncertain significance (1 of 4 stars; one submission).

Conditions:
Long QT syndrome (LQTS). Identifiers: MedGen C0023976, MeSH D008133, MONDO:0002442. Disease mechanism: loss of function. Inheritance: Various modes of inheritance.

Submission:

Labcorp Genetics (formerly Invitae), Labcorp
Classification: Uncertain significance for Long QT syndrome. Last evaluated: 2021-07-28. Review status: criteria provided, single submitter. Criteria: Invitae Variant Classification Sherloc (09022015). Collection method: clinical testing. Allele origin: germline.
Comment: In summary, the available evidence is currently insufficient to determine the role of this variant in disease. Therefore, it has been classified as a Variant of Uncertain Significance. Algorithms developed to predict the effect of sequence changes on RNA splicing suggest that this variant may disrupt the consensus splice site. This variant has not been reported in the literature in individuals affected with SNTA1-related conditions. This variant is not present in population databases (ExAC no frequency). This sequence change affects an acceptor splice site in intron 3 of the SNTA1 gene. It is expected to disrupt RNA splicing. Variants that disrupt the donor or acceptor splice site typically lead to a loss of protein function (PMID: 16199547), however the current clinical and genetic evidence is not sufficient to establish whether loss-of-function variants in SNTA1 cause disease.

Literature cited by the submitters: PubMed 16199547.

NM_003098.3(SNTA1):c.702-1G>A

Gene: SNTA1 (syntrophin alpha 1; minus strand). Cytogenetic location: 20q11.21.
Variant type: single nucleotide variant.
Coding change: c.702-1G>A on transcript NM_003098.3 (MANE Select); the canonical splice acceptor site of the intron before coding-DNA position 702, G replaced by A.
Molecular consequence: splice acceptor variant.
Genome position (GRCh38, 1-based): chr20:33,412,783, C>T on the plus strand (G>A on the coding strand, the complement: SNTA1 is on the minus strand). VCF-style: chr20-33412783-C-T. GRCh37 (hg19) VCF-style: chr20-32000589-C-T.
Identifiers: ClinVar variation 1476898 (VCV001476898.6), dbSNP rs2146763231, ClinGen allele CA408632038.
Genomic context (GRCh38, chr20:33,412,783, plus strand): 5'-TCATCCTTGGCCCTCAGGAAGAGGGTGTCTTGACCATCTGCCGAGCAGATCTCCAGATAC[C>T]TGCAGGCACAAATGGGTGGAGACAAGGACCTGACCATTAGGCTGCAGCTGCCCAACCCTG-3'